The following is an entry in ClinVar:

NM_024652.6(LRRK1):c.1099T>A (p.Leu367Met)

Gene: LRRK1 (leucine rich repeat kinase 1; plus strand). Cytogenetic location: 15q26.3.
Variant type: single nucleotide variant.
Coding change: c.1099T>A on transcript NM_024652.6 (MANE Select); coding-DNA position 1099, T replaced by A.
Protein change: p.Leu367Met; replaces leucine 367 with methionine.
Molecular consequence: missense variant.
Genome position (GRCh38, 1-based): chr15:101,010,559, T>A. VCF-style: chr15-101010559-T-A. GRCh37 (hg19) VCF-style: chr15-101550764-T-A.
Other names: c.1099T>A (NM_024652.3); short protein forms L367M.
Identifiers: ClinVar variation 1437242 (VCV001437242.6), dbSNP rs748365815, ClinGen allele CA7760786.

ClinVar aggregate classification (germline): Uncertain significance. Review status: criteria provided, multiple submitters, no conflicts (2 of 4 stars). 2 submissions from 2 submitters: Uncertain significance (2). Last evaluated 2025-08-06.

Conditions:
Inborn genetic diseases. Identifiers: MedGen C0950123, MeSH D030342.

Allele frequency attached by ClinVar (database versions not stated): ExAC 0.00002; gnomAD exomes 0.00002 and 0.00004; gnomAD 0.00003 and 0.00005; TOPMed 0.00005.
gnomAD v4.1: 22 of 1,612,058 alleles (0.0014%); highest among the groups gnomAD compares: Admixed American, 0.033%; no homozygotes.

Submissions (2):

Ambry Genetics
Classification: Uncertain significance for Inborn genetic diseases. Last evaluated: 2025-08-06. Review status: criteria provided, single submitter. Criteria: Ambry Variant Classification Scheme 2023. Collection method: clinical testing. Allele origin: germline.

Labcorp Genetics (formerly Invitae), Labcorp
Classification: Uncertain significance. Last evaluated: 2022-07-06. Review status: criteria provided, single submitter. Criteria: Invitae Variant Classification Sherloc (09022015). Collection method: clinical testing. Allele origin: germline.
Comment: This sequence change replaces leucine, which is neutral and non-polar, with methionine, which is neutral and non-polar, at codon 367 of the LRRK1 protein (p.Leu367Met). This variant is present in population databases (rs748365815, gnomAD 0.04%). This variant has not been reported in the literature in individuals affected with LRRK1-related conditions. ClinVar contains an entry for this variant (Variation ID: 1437242). Algorithms developed to predict the effect of missense changes on protein structure and function are either unavailable or do not agree on the potential impact of this missense change (SIFT: "Deleterious"; PolyPhen-2: "Benign"; Align-GVGD: "Class C0"). In summary, the available evidence is currently insufficient to determine the role of this variant in disease. Therefore, it has been classified as a Variant of Uncertain Significance.